The following is an entry in ClinVar:

NM_017813.5(BPNT2):c.704A>G (p.Lys235Arg)

Gene: BPNT2 (3'(2'), 5'-bisphosphate nucleotidase 2; minus strand). Cytogenetic location: 8q12.1.
Variant type: single nucleotide variant.
Coding change: c.704A>G on transcript NM_017813.5 (MANE Select); coding-DNA position 704, A replaced by G.
Protein change: p.Lys235Arg; replaces lysine 235 with arginine.
Molecular consequence: missense variant.
Genome position (GRCh38, 1-based): chr8:56,966,295, T>C on the plus strand (A>G on the coding strand, the complement: BPNT2 is on the minus strand). VCF-style: chr8-56966295-T-C. GRCh37 (hg19) VCF-style: chr8-57878854-T-C.
Other names: c.704A>G (NM_017813.3); short protein forms K235R.
Identifiers: ClinVar variation 910383 (VCV000910383.7), dbSNP rs367881909, ClinGen allele CA4755830.

ClinVar aggregate classification (germline): Uncertain significance. Review status: criteria provided, multiple submitters, no conflicts (2 of 4 stars). 3 submissions from 3 submitters: Uncertain significance (3). Last evaluated 2025-02-13.

Conditions:
Chondrodysplasia with joint dislocations, gPAPP type. Also called: GPAPP DEFICIENCY. Identifiers: Orphanet 280586, MedGen C3279757, MONDO:0013561, OMIM 614078.

Allele frequency attached by ClinVar (database versions not stated): gnomAD exomes 0.00002 and 0.00007; ExAC 0.00004; TOPMed 0.00004; gnomAD 0.00005 and 0.00006; ESP Exome Variant Server 0.00008.
gnomAD v4.1: 118 of 1,613,974 alleles (0.0073%); highest among the groups gnomAD compares: Non-Finnish European, 0.0091%; no homozygotes.

Submissions (3):

Ambry Genetics
Classification: Uncertain significance. Last evaluated: 2025-02-13. Review status: criteria provided, single submitter. Criteria: Ambry Variant Classification Scheme 2023. Collection method: clinical testing. Allele origin: germline.

Labcorp Genetics (formerly Invitae), Labcorp
Classification: Uncertain significance. Last evaluated: 2022-07-12. Review status: criteria provided, single submitter. Criteria: Invitae Variant Classification Sherloc (09022015). Collection method: clinical testing. Allele origin: germline.
Comment: This sequence change replaces lysine, which is basic and polar, with arginine, which is basic and polar, at codon 235 of the IMPAD1 protein (p.Lys235Arg). This variant is present in population databases (rs367881909, gnomAD 0.008%). This variant has not been reported in the literature in individuals affected with IMPAD1-related conditions. ClinVar contains an entry for this variant (Variation ID: 910383). Algorithms developed to predict the effect of missense changes on protein structure and function (SIFT, PolyPhen-2, Align-GVGD) all suggest that this variant is likely to be tolerated. Algorithms developed to predict the effect of sequence changes on RNA splicing suggest that this variant may create or strengthen a splice site. In summary, the available evidence is currently insufficient to determine the role of this variant in disease. Therefore, it has been classified as a Variant of Uncertain Significance.

Illumina Laboratory Services, Illumina
Classification: Uncertain significance for Chondrodysplasia with joint dislocations, gPAPP type. Last evaluated: 2018-01-12. Review status: criteria provided, single submitter. Criteria: ICSL Variant Classification Criteria 13 December 2019. Collection method: clinical testing. Allele origin: germline.